The following is an entry in ClinVar:

NM_001204.7(BMPR2):c.*4903A>C

Gene: BMPR2 (bone morphogenetic protein receptor type 2; plus strand). Cytogenetic location: 2q33.2.
Variant type: single nucleotide variant.
Coding change: c.*4903A>C on transcript NM_001204.7 (MANE Select); 4903 bases downstream of the stop codon, A replaced by C.
Molecular consequence: 3 prime UTR variant.
Genome position (GRCh38, 1-based): chr2:202,564,849, A>C. VCF-style: chr2-202564849-A-C. GRCh37 (hg19) VCF-style: chr2-203429572-A-C.
Identifiers: ClinVar variation 897042 (VCV000897042.4), dbSNP rs114155347, ClinGen allele CA64051328.

ClinVar aggregate classification (germline): Benign (1 of 4 stars; one submission).

Conditions:
Pulmonary hypertension, primary, 1 (PPH1). Also called: Pulmonary hypertension, familial primary, 1, with or without HHT. Identifiers: Orphanet 422, MedGen C4552070, MONDO:0024533, OMIM 178600.

Allele frequency attached by ClinVar (database versions not stated): gnomAD 0.00213 and 0.00199; TOPMed 0.00244; 1000 Genomes Project 0.00260; 1000 Genomes Project 30x 0.00297.

Submission:

Illumina Laboratory Services, Illumina
Classification: Benign for Pulmonary hypertension, primary, 1. Last evaluated: 2018-01-13. Review status: criteria provided, single submitter. Criteria: ICSL Variant Classification Criteria 13 December 2019. Collection method: clinical testing. Allele origin: germline.
Comment: This variant was observed in the ICSL laboratory as part of a predisposition screen in an ostensibly healthy population. It had not been previously curated by ICSL or reported in the Human Gene Mutation Database (HGMD: prior to June 1st, 2018), and was therefore a candidate for classification through an automated scoring system. Utilizing variant allele frequency, disease prevalence and penetrance estimates, and inheritance mode, an automated score was calculated to assess if this variant is too frequent to cause the disease. Based on the score and internal cut-off values, a variant classified as benign is not then subjected to further curation. The score for this variant resulted in a classification of benign for this disease.